The following is an entry in ClinVar:

ClinVar aggregate classification (germline): Uncertain significance. Review status: criteria provided, single submitter (1 of 4 stars). 2 submissions from 2 submitters: Uncertain significance (1). 1 of the submissions does not count toward it. Last evaluated 2024-05-28.

Conditions:
Familial long QT syndrome (RWS). Also called: Congenital long QT syndrome; Romano-Ward syndrome; VENTRICULAR FIBRILLATION WITH PROLONGED QT INTERVAL. Identifiers: Orphanet 768, MedGen C1141890, MONDO:0019171.
Long QT syndrome (LQTS). Identifiers: MedGen C0023976, MeSH D008133, MONDO:0002442. Disease mechanism: loss of function. Inheritance: Various modes of inheritance.

Allele frequency attached by ClinVar (database versions not stated): gnomAD exomes below 0.00001; TOPMed below 0.00001; gnomAD 0.00001.
gnomAD v4.1: 4 of 1,348,660 alleles (0.0003%); highest among the groups gnomAD compares: African/African-American, 0.0015%; no homozygotes.

Submissions (2):

Labcorp Genetics (formerly Invitae), Labcorp
Classification: Uncertain significance for Long QT syndrome. Last evaluated: 2024-05-28. Review status: criteria provided, single submitter. Criteria: Invitae Variant Classification Sherloc (09022015). Collection method: clinical testing. Allele origin: germline.
Comment: This sequence change replaces arginine, which is basic and polar, with tryptophan, which is neutral and slightly polar, at codon 269 of the KCNH2 protein (p.Arg269Trp). This variant is not present in population databases (gnomAD no frequency). This missense change has been observed in individual(s) with clinical features of KCNH2-related conditions (PMID: 20541041). ClinVar contains an entry for this variant (Variation ID: 67529). An algorithm developed to predict the effect of missense changes on protein structure and function (PolyPhen-2) suggests that this variant is likely to be disruptive. Experimental studies are conflicting or provide insufficient evidence to determine the effect of this variant on KCNH2 function (PMID: 37386841). In summary, the available evidence is currently insufficient to determine the role of this variant in disease. Therefore, it has been classified as a Variant of Uncertain Significance.

Cardiovascular Biomedical Research Unit, Royal Brompton & Harefield NHS Foundation Trust
No classification provided. Condition: Familial long QT syndrome. Review status: no classification provided. Collection method: literature only. Allele origin: germline. Not counted in ClinVar's aggregate classification.
Comment: This variant has been reported as associated with Long QT syndrome in the following publications (PMID:20541041). This is a literature report, and does not necessarily reflect the clinical interpretation of the Imperial College / Royal Brompton Cardiovascular Genetics laboratory.

Literature cited by the submitters: PubMed 20541041 (cited by Labcorp Genetics (formerly Invitae), Labcorp and Cardiovascular Biomedical Research Unit, Royal Brompton & Harefield NHS Foundation Trust); PubMed 37386841 (cited by Labcorp Genetics (formerly Invitae), Labcorp); PubMed 22581653 (cited by Cardiovascular Biomedical Research Unit, Royal Brompton & Harefield NHS Foundation Trust).

NM_000238.4(KCNH2):c.805C>T (p.Arg269Trp)

Gene: KCNH2 (potassium voltage-gated channel subfamily H member 2; minus strand). Cytogenetic location: 7q36.1.
Variant type: single nucleotide variant.
Coding change: c.805C>T on transcript NM_000238.4 (MANE Select); coding-DNA position 805, C replaced by T.
Protein change: p.Arg269Trp; replaces arginine 269 with tryptophan.
Molecular consequence: missense variant.
Genome position (GRCh38, 1-based): chr7:150,958,170, G>A on the plus strand (C>T on the coding strand, the complement: KCNH2 is on the minus strand). VCF-style: chr7-150958170-G-A. GRCh37 (hg19) VCF-style: chr7-150655258-G-A.
Other names: c.805C>T (LRG_288t1); c.517C>T, p.Arg173Trp (NM_001406753.1, NM_001406756.1); c.628C>T, p.Arg210Trp (NM_001406755.1); c.505C>T, p.Arg169Trp (NM_001406757.1); c.805C>T, p.Arg269Trp (NM_172056.3); short protein forms R269W, R173W, R210W, R169W.
Identifiers: ClinVar variation 67529 (VCV000067529.5), dbSNP rs199473503, ClinGen allele CA008816.